The following is an entry in ClinVar:

NM_001127198.5(TMC6):c.1961C>T (p.Thr654Met)

Gene: TMC6 (transmembrane channel like 6; minus strand). Cytogenetic location: 17q25.3.
Variant type: single nucleotide variant.
Coding change: c.1961C>T on transcript NM_001127198.5 (MANE Select); coding-DNA position 1961, C replaced by T.
Protein change: p.Thr654Met; replaces threonine 654 with methionine.
Molecular consequence: missense variant. On other transcripts: non-coding transcript variant (4).
Genome position (GRCh38, 1-based): chr17:78,117,862, G>A on the plus strand (C>T on the coding strand, the complement: TMC6 is on the minus strand). VCF-style: chr17-78117862-G-A. GRCh37 (hg19) VCF-style: chr17-76113943-G-A.
Other names: c.1961C>T, p.Thr654Met (NM_001321185.1, NM_001374596.1, NM_001375353.1 and 2 more transcripts); c.1781C>T, p.Thr594Met (NM_001374593.1, NM_001374594.1); c.1961C>T (NM_007267.6); short protein forms T654M, T594M.
Identifiers: ClinVar variation 456011 (VCV000456011.11), dbSNP rs549556408, ClinGen allele CA8795485.

ClinVar aggregate classification (germline): Uncertain significance. Review status: criteria provided, multiple submitters, no conflicts (2 of 4 stars). 2 submissions from 2 submitters: Uncertain significance (2). Last evaluated 2024-05-31.

Conditions:
Inborn genetic diseases. Identifiers: MedGen C0950123, MeSH D030342.
Epidermodysplasia verruciformis. Identifiers: Orphanet 302, MedGen C0014522, MONDO:0009176.

Allele frequency attached by ClinVar (database versions not stated): TOPMed 0.00002; gnomAD 0.00001.
gnomAD v4.1: 27 of 1,607,932 alleles (0.0017%); highest among the groups gnomAD compares: South Asian, 0.02%; no homozygotes.

Submissions (2):

Labcorp Genetics (formerly Invitae), Labcorp
Classification: Uncertain significance for Epidermodysplasia verruciformis. Last evaluated: 2024-05-31. Review status: criteria provided, single submitter. Criteria: Invitae Variant Classification Sherloc (09022015). Collection method: clinical testing. Allele origin: germline.
Comment: This sequence change replaces threonine, which is neutral and polar, with methionine, which is neutral and non-polar, at codon 654 of the TMC6 protein (p.Thr654Met). This variant is present in population databases (rs549556408, gnomAD 0.03%). This variant has not been reported in the literature in individuals affected with TMC6-related conditions. ClinVar contains an entry for this variant (Variation ID: 456011). An algorithm developed to predict the effect of missense changes on protein structure and function (PolyPhen-2) suggests that this variant is likely to be disruptive. In summary, the available evidence is currently insufficient to determine the role of this variant in disease. Therefore, it has been classified as a Variant of Uncertain Significance.

Ambry Genetics
Classification: Uncertain significance for Inborn genetic diseases. Last evaluated: 2023-01-10. Review status: criteria provided, single submitter. Criteria: Ambry Variant Classification Scheme 2023. Collection method: clinical testing. Allele origin: germline.